The following is an entry in ClinVar:

ClinVar aggregate classification (germline): Uncertain significance. Review status: criteria provided, multiple submitters, no conflicts (2 of 4 stars). 3 submissions from 3 submitters: Uncertain significance (3). Last evaluated 2021-09-24.

Conditions:
Amyloidosis, hereditary systemic 1 (AMYLD1). Also called: Hereditary oculoleptomeningeal amyloid angiopathy; Familial Transthyretin Amyloidosis; AMYLOID CARDIOMYOPATHY; Hereditary Transthyretin Amyloidosis; Familial amyloid polyneuropathy; Isolated Cardiac Amyloidosis. Identifiers: Orphanet 85447, Orphanet 85451, MedGen C2751492, MONDO:0971004, OMIM 105210.
Cardiomyopathy (CMYO). Also called: Cardiomyopathies. Identifiers: Orphanet 167848, MedGen C0878544, MONDO:0004994, HP:0001638. Inheritance: Various modes of inheritance.

Allele frequency attached by ClinVar (database versions not stated): gnomAD exomes below 0.00001 and 0.00001; ExAC 0.00003; ESP Exome Variant Server 0.00008.
gnomAD v4.1: 7 of 1,614,204 alleles (0.00043%); highest among the groups gnomAD compares: East Asian, 0.0045%; no homozygotes.

Submissions (3):

Labcorp Genetics (formerly Invitae), Labcorp
Classification: Uncertain significance for Amyloidosis, hereditary systemic 1. Last evaluated: 2021-09-24. Review status: criteria provided, single submitter. Criteria: Invitae Variant Classification Sherloc (09022015). Collection method: clinical testing. Allele origin: germline.
Comment: This sequence change replaces arginine with cysteine at codon 123 of the TTR protein (p.Arg123Cys). The arginine residue is highly conserved and there is a large physicochemical difference between arginine and cysteine. This variant is present in population databases (rs371566010, ExAC 0.006%). This variant has not been reported in the literature in individuals with TTR-related conditions. Advanced modeling of protein sequence and biophysical properties (such as structural, functional, and spatial information, amino acid conservation, physicochemical variation, residue mobility, and thermodynamic stability) performed at Invitae indicates that this missense variant is expected to disrupt TTR protein function. In summary, the available evidence is currently insufficient to determine the role of this variant in disease. Therefore, it has been classified as a Variant of Uncertain Significance.

Victorian Clinical Genetics Services, Murdoch Childrens Research Institute
Classification: Uncertain significance for Hereditary ATTR amyloidosis. Last evaluated: 2020-05-26. Review status: criteria provided, single submitter. Criteria: ACMG Guidelines, 2015. Collection method: clinical testing. Allele origin: germline. Inheritance: Autosomal dominant inheritance.
Comment: Based on the classification scheme VCGS_Germline_v1.1.1, this variant is classified as 3B-VUS. Following criteria are met: 0102 Loss-of-function is a known mechanism of disease for this gene. Missense variants have been shown to result in unstable protein, leading to misfolding and aggregation (PMID 25628512; PMID 12351683). (N) 0107 This gene is known to be associated with autosomal dominant disease (OMIM). (N) 0200 Variant is predicted to result in a missense amino acid change from an arginine to a cysteine (exon 4). (N) 0251 Variant is heterozygous. (N) 0302 Variant is present in gnomAD <0.001 for a dominant condition (2 heterozygotes, 0 homozygotes). (P) 0309 Alternative amino acid changes at the same position has been observed in gnomAD (20 heterozygotes, 0 homozygotes). (N) 0501 Missense variant consistently predicted to be damaging by multiple in silico tools or highly conserved with a major amino acid change. (P) 0600 Variant is located in an annotated domain or motif (Transthyretin domain). (N) 0705 No comparable variants have previous evidence for pathogenicity. An alternate change, p.(Arg123His) has previously been reported in a patient with inconsistent phenotypic presentation (PMID 26537620). (N) 0807 Variant has not previously been reported in a clinical context. (N) 0905 No segregation evidence has been identified for this variant. (N) 1007 No published functional evidence has been identified for this variant. (N) 1208 Inheritance information for this variant is not currently available. (N) Legend: (P) - Pathogenic, (N) - Neutral, (B) - Benign

CHEO Genetics Diagnostic Laboratory, Children's Hospital of Eastern Ontario
Classification: Uncertain significance for Cardiomyopathy. Last evaluated: 2020-02-13. Review status: criteria provided, single submitter. Criteria: ACMG Guidelines, 2015. Collection method: clinical testing. Allele origin: germline.

Literature cited by the submitters: PubMed 12351683 (cited by Victorian Clinical Genetics Services, Murdoch Childrens Research Institute); PubMed 25628512 (cited by Victorian Clinical Genetics Services, Murdoch Childrens Research Institute); PubMed 26537620 (cited by Victorian Clinical Genetics Services, Murdoch Childrens Research Institute).

NM_000371.4(TTR):c.367C>T (p.Arg123Cys)

Gene: TTR (transthyretin; plus strand). Cytogenetic location: 18q12.1.
Variant type: single nucleotide variant.
Coding change: c.367C>T on transcript NM_000371.4 (MANE Select); coding-DNA position 367, C replaced by T.
Protein change: p.Arg123Cys; replaces arginine 123 with cysteine.
Molecular consequence: missense variant.
Genome position (GRCh38, 1-based): chr18:31,598,598, C>T. VCF-style: chr18-31598598-C-T. GRCh37 (hg19) VCF-style: chr18-29178561-C-T.
Other names: short protein forms R123C.
Identifiers: ClinVar variation 1329418 (VCV001329418.7), dbSNP rs371566010, ClinGen allele CA8928503.